The following is an entry in ClinVar:

NM_000393.5(COL5A2):c.1A>G (p.Met1Val)

Gene: COL5A2 (collagen type V alpha 2 chain; minus strand). Cytogenetic location: 2q32.2.
Variant type: single nucleotide variant.
Coding change: c.1A>G on transcript NM_000393.5 (MANE Select); coding-DNA position 1, A replaced by G.
Protein change: p.Met1Val; changes the start codon (methionine 1).
Molecular consequence: missense variant, initiator codon variant.
Genome position (GRCh38, 1-based): chr2:189,179,604, T>C on the plus strand (A>G on the coding strand, the complement: COL5A2 is on the minus strand). VCF-style: chr2-189179604-T-C. GRCh37 (hg19) VCF-style: chr2-190044330-T-C.
Other names: short protein forms M1V.
Identifiers: ClinVar variation 391833 (VCV000391833.21), dbSNP rs563606558, ClinGen allele CA2023219.

ClinVar aggregate classification (germline): Uncertain significance. Review status: criteria provided, multiple submitters, no conflicts (2 of 4 stars). 6 submissions from 6 submitters: Uncertain significance (5). 1 of the submissions does not count toward it. Last evaluated 2026-06-01.

Conditions:
Ehlers-Danlos syndrome, classic type, 2 (EDSCL2). Also called: Ehlers-Danlos syndrome, type 2; Ehlers-Danlos syndrome type 2 (formerly); Ehlers-Danlos Syndrome, Classic Type, COL5A2-Related. Identifiers: Orphanet 287, Orphanet 90318, MedGen C0268336, MONDO:0019568, OMIM 130010.
Ehlers-Danlos syndrome, classic type, 1 (EDSCL1). Also called: Ehlers-Danlos syndrome, type 1; EDS I; EHLERS-DANLOS SYNDROME, GRAVIS TYPE; EHLERS-DANLOS SYNDROME, SEVERE CLASSIC TYPE; Ehlers-Danlos Syndrome, Classic Type, COL5A1-Related. Identifiers: MedGen C0268335, MONDO:0019567, OMIM 130000.
Familial thoracic aortic aneurysm and aortic dissection (TAAD). Also called: Thoracic aortic aneurysms and dissections. Identifiers: Orphanet 91387, MedGen C4707243, MONDO:0019625.
Connective tissue disorder. Also called: Connective tissue disease. Identifiers: MedGen C0009782, MONDO:0003900.

Allele frequency attached by ClinVar (database versions not stated): gnomAD 0.00001 and 0.00003; gnomAD exomes 0.00003; TOPMed 0.00003; ExAC 0.00004; 1000 Genomes Project 30x 0.00016; 1000 Genomes Project 0.00020.

Submissions (6):

CeGaT Center for Human Genetics Tuebingen
Classification: Uncertain significance. Last evaluated: 2026-06-01. Review status: criteria provided, single submitter. Criteria: CeGaT Center For Human Genetics Tuebingen Variant Classification Criteria Version 2. Collection method: clinical testing. Allele origin: germline. Affected: yes. Observed: 1 variant allele.

Labcorp Genetics (formerly Invitae), Labcorp
Classification: Uncertain significance for Ehlers-Danlos syndrome, classic type, 1. Last evaluated: 2025-12-15. Review status: criteria provided, single submitter. Criteria: Invitae Variant Classification Sherloc (09022015). Collection method: clinical testing. Allele origin: germline.
Comment: This sequence change affects the initiator codon of the COL5A2 mRNA. This change may impact translation initiation or efficiency. The next in-frame methionine is located at codon 2. This variant is present in population databases (rs563606558, gnomAD 0.009%). This variant has not been reported in the literature in individuals affected with COL5A2-related conditions. ClinVar contains an entry for this variant (Variation ID: 391833). Experimental studies and prediction algorithms are not available or were not evaluated, and the functional significance of this variant is currently unknown. In summary, the available evidence is currently insufficient to determine the role of this variant in disease. Therefore, it has been classified as a Variant of Uncertain Significance.

Ambry Genetics
Classification: Uncertain significance for Familial thoracic aortic aneurysm and aortic dissection. Last evaluated: 2023-09-19. Review status: criteria provided, single submitter. Criteria: Ambry Variant Classification Scheme 2023. Collection method: clinical testing. Allele origin: germline.
Comment: The p.M1? variant (also known as c.1A>G), located in coding exon 1 of the COL5A2 gene, results from an A to G substitution at nucleotide position 1. This alters the methionine residue at the initiation codon. This variant has been detected in a Chiari malformation cohort, and in an individual with an unclassified form of syndromic hypermobility; however, details were limited (Urbizu A et al. PLoS One. 2021 May;16(5):e0251289; Leone MP et al. Hum Genet. 2023 Jun;142(6):785-808). Variations that modify the initiation codon (ATG) are expected to result in either loss of translation initiation, N-terminal truncation, or cause a shift in the mRNA reading frame; however there is an alternate in-frame methionine 1 amino acid downstream from the initiation site. Since supporting evidence is limited at this time, the clinical significance of this variant remains unclear.

GeneDx
Classification: Uncertain significance. Last evaluated: 2021-08-26. Review status: criteria provided, single submitter. Criteria: GeneDx Variant Classification Process June 2021. Collection method: clinical testing. Allele origin: germline. Affected: yes.
Comment: Has not been previously published as pathogenic or benign to our knowledge; An in-frame Methionine (p.M2) that could serve as a potential alternative initiation codon; Initiation codon variant in a gene for which most reported pathogenic variants are missense or splice site variants predicted to lead to production of an abnormal protein (Stenson et al., 2014); Reported in ClinVar (ClinVar Variant ID# 391833; Landrum et al., 2016)

Institute of Human Genetics, University of Leipzig Medical Center
Classification: Uncertain significance for Ehlers-Danlos syndrome, classic type, 2. Last evaluated: 2019-01-01. Review status: criteria provided, single submitter. Criteria: ACMG Guidelines, 2015. Collection method: clinical testing. Allele origin: unknown. Affected: no.

Center for Human Genetics, Inc
Classification: Likely pathogenic for Connective tissue disorder. Last evaluated: 2016-11-01. Review status: flagged submission. Criteria: ACMG Guidelines, 2015. Collection method: clinical testing. Allele origin: germline. Affected: yes. Not counted in ClinVar's aggregate classification.
ClinVar note: Reason: Outlier claim with insufficient supporting evidence

Literature cited by the submitters: PubMed 33974636 (cited by Ambry Genetics); PubMed 37079061 (cited by Ambry Genetics).